The following is an entry in ClinVar:

ClinVar aggregate classification (germline): Uncertain significance (1 of 4 stars; one submission).

Conditions:
BAP1-related tumor predisposition syndrome (TPDS1). Also called: Tumor susceptibility linked to germline BAP1 mutations; TUMOR PREDISPOSITION SYNDROME 1; BAP1 tumor predisposition syndrome; COMMON Syndrome. Identifiers: Orphanet 289539, MedGen C3280492, MONDO:0013692, OMIM 614327.

gnomAD v4.1: 1 of 1,614,076 alleles (0.000062%); no homozygotes.

Submission:

Labcorp Genetics (formerly Invitae), Labcorp
Classification: Uncertain significance for BAP1-related tumor predisposition syndrome. Last evaluated: 2022-05-09. Review status: criteria provided, single submitter. Criteria: Invitae Variant Classification Sherloc (09022015). Collection method: clinical testing. Allele origin: germline.
Comment: This sequence change replaces glycine, which is neutral and non-polar, with aspartic acid, which is acidic and polar, at codon 340 of the BAP1 protein (p.Gly340Asp). In summary, the available evidence is currently insufficient to determine the role of this variant in disease. Therefore, it has been classified as a Variant of Uncertain Significance. Algorithms developed to predict the effect of missense changes on protein structure and function (SIFT, PolyPhen-2, Align-GVGD) all suggest that this variant is likely to be tolerated. This variant has not been reported in the literature in individuals affected with BAP1-related conditions. This variant is not present in population databases (gnomAD no frequency).

NM_004656.4(BAP1):c.1019G>A (p.Gly340Asp)

Gene: BAP1 (BRCA1 associated deubiquitinase 1; minus strand). Cytogenetic location: 3p21.1.
Variant type: single nucleotide variant.
Coding change: c.1019G>A on transcript NM_004656.4 (MANE Select); coding-DNA position 1019, G replaced by A.
Protein change: p.Gly340Asp; replaces glycine 340 with aspartic acid.
Molecular consequence: missense variant.
Genome position (GRCh38, 1-based): chr3:52,405,207, C>T on the plus strand (G>A on the coding strand, the complement: BAP1 is on the minus strand). VCF-style: chr3-52405207-C-T. GRCh37 (hg19) VCF-style: chr3-52439223-C-T.
Other names: c.965G>A, p.Gly322Asp (NM_001410772.1); short protein forms G340D, G322D.
Identifiers: ClinVar variation 2135781 (VCV002135781.4), dbSNP rs2153227040, ClinGen allele CA353105917.